The following is an entry in ClinVar:

NM_000492.4(CFTR):c.440A>C (p.His147Pro)

Gene: CFTR (CF transmembrane conductance regulator; plus strand). Cytogenetic location: 7q31.2.
Variant type: single nucleotide variant.
Coding change: c.440A>C on transcript NM_000492.4 (MANE Select); coding-DNA position 440, A replaced by C.
Protein change: p.His147Pro; replaces histidine 147 with proline.
Molecular consequence: missense variant.
Genome position (GRCh38, 1-based): chr7:117,531,065, A>C. VCF-style: chr7-117531065-A-C. GRCh37 (hg19) VCF-style: chr7-117171119-A-C.
Other names: short protein forms H147P.
Identifiers: ClinVar variation 1706042 (VCV001706042.1), dbSNP rs2485009644, ClinGen allele CA368974870.

ClinVar aggregate classification (germline): Uncertain significance (1 of 4 stars; one submission).

Conditions:
Cystic fibrosis (CF). Also called: MUCOVISCIDOSIS. Identifiers: Orphanet 586, MedGen C0010674, MONDO:0009061, OMIM 219700. Disease mechanism: loss of function.

Allele frequency attached by ClinVar (database versions not stated): gnomAD exomes below 0.00001.

Submission:

Institute of Human Genetics, University of Leipzig Medical Center
Classification: Uncertain significance for Cystic fibrosis. Last evaluated: 2022-09-05. Review status: criteria provided, single submitter. Criteria: ACMG Guidelines, 2015. Collection method: curation. Allele origin: unknown. Affected: yes. Observed: 1 variant allele.
Comment: The variant was classified in the context of a project re-classifying variants in the German Cystic Fibrosis Registry (Muko.e.V.). Criteria applied: PM2_SUP, PP3